The following is an entry in ClinVar:

NM_001378609.3(OTOGL):c.3213+10C>T

Gene: OTOGL (otogelin like; plus strand). Cytogenetic location: 12q21.31.
Variant type: single nucleotide variant.
Coding change: c.3213+10C>T on transcript NM_001378609.3 (MANE Select); 10 bases into the intron after coding-DNA position 3213, C replaced by T.
Molecular consequence: intron variant.
Genome position (GRCh38, 1-based): chr12:80,302,793, C>T. VCF-style: chr12-80302793-C-T. GRCh37 (hg19) VCF-style: chr12-80696573-C-T.
Other names: c.3078+10C>T (NM_001368062.3); c.3213+10C>T (NM_001378610.3, NM_173591.7).
Identifiers: ClinVar variation 499957 (VCV000499957.16), dbSNP rs201373228, ClinGen allele CA6700985.
Genomic context (GRCh38, chr12:80,302,793, plus strand): 5'-CTTTGGGATAGGAAGACAACTATTCATATCAAAGTTGGGCCACAGTGGAAGGTAGGTCAA[C>T]CTAAGCTCCAAATGAGATGTAATGAATAAAATCACATTTAGTTTTTGATGTTTGATGAAA-3'

ClinVar aggregate classification (germline): Conflicting classifications of pathogenicity. Review status: criteria provided, conflicting classifications (1 of 4 stars). 4 submissions from 4 submitters: Uncertain significance (1); Benign (2); Likely benign (1). Last evaluated 2025-08-21.

Allele frequency attached by ClinVar (database versions not stated): gnomAD 0.00131 and 0.00137; TOPMed 0.00147; ESP Exome Variant Server 0.00169; gnomAD exomes 0.00244; ExAC 0.00393.
gnomAD v4.1: 1,609 of 1,455,036 alleles (0.11%); highest among the groups gnomAD compares: Middle Eastern, 0.073%; 19 homozygotes.

Submissions (4):

Labcorp Genetics (formerly Invitae), Labcorp
Classification: Benign. Last evaluated: 2025-08-21. Review status: criteria provided, single submitter. Criteria: Invitae Variant Classification Sherloc (09022015). Collection method: clinical testing. Allele origin: germline.

GeneDx
Classification: Likely benign. Last evaluated: 2018-01-12. Review status: criteria provided, single submitter. Criteria: GeneDx Variant Classification (06012015). Collection method: clinical testing. Allele origin: germline. Affected: yes.
Comment: This variant is considered likely benign or benign based on one or more of the following criteria: it is a conservative change, it occurs at a poorly conserved position in the protein, it is predicted to be benign by multiple in silico algorithms, and/or has population frequency not consistent with disease.

Eurofins Ntd Llc (ga)
Classification: Uncertain significance. Last evaluated: 2017-02-01. Review status: criteria provided, single submitter. Criteria: EGL Classification Definitions 2015. Collection method: clinical testing. Allele origin: germline. Observed: 1 variant allele, 1 heterozygote.

Laboratory for Molecular Medicine, Mass General Brigham Personalized Medicine
Classification: Benign. Last evaluated: 2014-11-24. Review status: criteria provided, single submitter. Criteria: LMM Criteria. Collection method: clinical testing. Allele origin: germline. Observed: 2 variant alleles.
Comment: 3186+10C>T in intron 27 of OTOGL: This variant is not expected to have clinical significance because it is not located within the conserved splice consensus seq uence. It has been identified in 0.2% (20/8178) of European American chromosomes from a broad population by the NHLBI Exome Sequencing Project.